The following is an entry in ClinVar:

ClinVar aggregate classification (germline): Uncertain significance (1 of 4 stars; one submission).

Conditions:
Neurodevelopmental disorder with or without hyperkinetic movements and seizures, autosomal dominant. Also called: Intellectual disability, autosomal dominant 8. Identifiers: MedGen C3280282, MONDO:0013655, OMIM 614254.

Allele frequency attached by ClinVar (database versions not stated): gnomAD exomes below 0.00001.
gnomAD v4.1: 3 of 1,609,190 alleles (0.00019%); highest among the groups gnomAD compares: Non-Finnish European, 0.00025%; no homozygotes.

Submission:

Labcorp Genetics (formerly Invitae), Labcorp
Classification: Uncertain significance for Neurodevelopmental disorder with or without hyperkinetic movements and seizures, autosomal dominant. Last evaluated: 2023-08-28. Review status: criteria provided, single submitter. Criteria: Invitae Variant Classification Sherloc (09022015). Collection method: clinical testing. Allele origin: germline.
Comment: In summary, the available evidence is currently insufficient to determine the role of this variant in disease. Therefore, it has been classified as a Variant of Uncertain Significance. Advanced modeling of protein sequence and biophysical properties (such as structural, functional, and spatial information, amino acid conservation, physicochemical variation, residue mobility, and thermodynamic stability) has been performed at Invitae for this missense variant, however the output from this modeling did not meet the statistical confidence thresholds required to predict the impact of this variant on GRIN1 protein function. This variant has not been reported in the literature in individuals affected with GRIN1-related conditions. This variant is not present in population databases (gnomAD no frequency). This sequence change replaces serine, which is neutral and polar, with phenylalanine, which is neutral and non-polar, at codon 14 of the GRIN1 protein (p.Ser14Phe).

NM_007327.4(GRIN1):c.41C>T (p.Ser14Phe)

Gene: GRIN1 (glutamate ionotropic receptor NMDA type subunit 1; plus strand). Cytogenetic location: 9q34.3.
Variant type: single nucleotide variant.
Coding change: c.41C>T on transcript NM_007327.4 (MANE Select); coding-DNA position 41, C replaced by T.
Protein change: p.Ser14Phe; replaces serine 14 with phenylalanine.
Molecular consequence: missense variant.
Genome position (GRCh38, 1-based): chr9:137,139,527, C>T. VCF-style: chr9-137139527-C-T. GRCh37 (hg19) VCF-style: chr9-140033979-C-T.
Other names: c.41C>T, p.Ser14Phe (NM_000832.7, NM_001185090.2, NM_001185091.2 and 1 more transcripts); short protein forms S14F.
Identifiers: ClinVar variation 2914544 (VCV002914544.3), dbSNP rs2538507469, ClinGen allele CA375713007.